The following is an entry in ClinVar:

NM_000257.4(MYH7):c.4840G>A (p.Val1614Met)

Genes: MHRT (myosin heavy chain associated RNA transcript; plus strand), MYH7 (myosin heavy chain 7; minus strand), LOC126861897 (BRD4-independent group 4 enhancer GRCh37_chr14:23884455-23885654; plus strand). Cytogenetic location: 14q11.2.
Variant type: single nucleotide variant.
Coding change: c.4840G>A on transcript NM_000257.4 (MANE Select); coding-DNA position 4840, G replaced by A.
Protein change: p.Val1614Met; replaces valine 1614 with methionine.
Molecular consequence: missense variant. On other transcripts: non-coding transcript variant (1).
Genome position (GRCh38, 1-based): chr14:23,416,117, C>T on the plus strand (G>A on the coding strand, the complement: MYH7 is on the minus strand). VCF-style: chr14-23416117-C-T. GRCh37 (hg19) VCF-style: chr14-23885326-C-T.
Other names: c.4840G>A (NM_000257.3); short protein forms V1614M.
Identifiers: ClinVar variation 1390546 (VCV001390546.10), dbSNP rs1200299259, ClinGen allele CA389037537.

ClinVar aggregate classification (germline): Uncertain significance. Review status: criteria provided, multiple submitters, no conflicts (2 of 4 stars). 3 submissions from 3 submitters: Uncertain significance (3). Last evaluated 2026-07-14.

Conditions:
Cardiovascular phenotype. Identifiers: MedGen CN230736.
Hypertrophic cardiomyopathy. Also called: HYPERTROPHIC MYOCARDIOPATHY. Identifiers: Orphanet 217569, MedGen C0007194, MeSH D002312, MONDO:0005045, HP:0001639.
MYH7-related disorder. Also called: MYH7-related condition; MYH7-related disease; MYH7-related disorders.

Allele frequency attached by ClinVar (database versions not stated): TOPMed 0.00001; gnomAD 0.00004 and 0.00005.

Submissions (3):

PreventionGenetics, part of Exact Sciences
Classification: Uncertain significance for MYH7-related condition. Last evaluated: 2026-07-14. Review status: criteria provided, single submitter. Criteria: ACMG Guidelines, 2015. Collection method: clinical testing. Allele origin: germline.
Comment: The MYH7 c.4840G>A variant is predicted to result in the amino acid substitution p.Val1614Met. To our knowledge, this variant has not been reported in the literature. This variant is reported in 0.023% of alleles in individuals of African descent in gnomAD. At this time, the clinical significance of this variant is uncertain due to the absence of conclusive functional and genetic evidence.

Labcorp Genetics (formerly Invitae), Labcorp
Classification: Uncertain significance for Hypertrophic cardiomyopathy. Last evaluated: 2025-12-08. Review status: criteria provided, single submitter. Criteria: Invitae Variant Classification Sherloc (09022015). Collection method: clinical testing. Allele origin: germline.
Comment: This sequence change replaces valine, which is neutral and non-polar, with methionine, which is neutral and non-polar, at codon 1614 of the MYH7 protein (p.Val1614Met). This variant is present in population databases (no rsID available, gnomAD 0.02%). This variant has not been reported in the literature in individuals affected with MYH7-related conditions. ClinVar contains an entry for this variant (Variation ID: 1390546). Invitae Evidence Modeling of protein sequence and biophysical properties (such as structural, functional, and spatial information, amino acid conservation, physicochemical variation, residue mobility, and thermodynamic stability) has been performed for this missense variant. However, the output from this modeling did not meet the statistical confidence thresholds required to predict the impact of this variant on MYH7 protein function. In summary, the available evidence is currently insufficient to determine the role of this variant in disease. Therefore, it has been classified as a Variant of Uncertain Significance.

Ambry Genetics
Classification: Uncertain significance for Cardiovascular phenotype. Last evaluated: 2023-03-07. Review status: criteria provided, single submitter. Criteria: Ambry Variant Classification Scheme 2023. Collection method: clinical testing. Allele origin: germline.
Comment: The p.V1614M variant (also known as c.4840G>A), located in coding exon 32 of the MYH7 gene, results from a G to A substitution at nucleotide position 4840. The valine at codon 1614 is replaced by methionine, an amino acid with highly similar properties. This amino acid position is not well conserved in available vertebrate species. In addition, this alteration is predicted to be tolerated by in silico analysis. Since supporting evidence is limited at this time, the clinical significance of this alteration remains unclear.